The following is an entry in ClinVar:

NM_005199.5(CHRNG):c.323G>C (p.Trp108Ser)

Gene: CHRNG (cholinergic receptor nicotinic gamma subunit; plus strand). Cytogenetic location: 2q37.1.
Variant type: single nucleotide variant.
Coding change: c.323G>C on transcript NM_005199.5 (MANE Select); coding-DNA position 323, G replaced by C.
Protein change: p.Trp108Ser; replaces tryptophan 108 with serine.
Molecular consequence: missense variant.
Genome position (GRCh38, 1-based): chr2:232,540,684, G>C. VCF-style: chr2-232540684-G-C. GRCh37 (hg19) VCF-style: chr2-233405394-G-C.
Other names: short protein forms W108S.
Identifiers: ClinVar variation 3378293 (VCV003378293.1).

ClinVar aggregate classification (germline): Uncertain significance (1 of 4 stars; one submission).

Submission:

GeneDx
Classification: Uncertain significance. Last evaluated: 2024-05-14. Review status: criteria provided, single submitter. Criteria: GeneDx Variant Classification Process June 2021. Collection method: clinical testing. Allele origin: germline. Affected: yes.
Comment: Not observed at significant frequency in large population cohorts (gnomAD); In silico analysis supports that this missense variant has a deleterious effect on protein structure/function; Has not been previously published as pathogenic or benign to our knowledge